The following is an entry in ClinVar:

NM_001110556.2(FLNA):c.6149T>C (p.Val2050Ala)

Gene: FLNA (filamin A; minus strand). Cytogenetic location: Xq28.
Variant type: single nucleotide variant.
Coding change: c.6149T>C on transcript NM_001110556.2 (MANE Select); coding-DNA position 6149, T replaced by C.
Protein change: p.Val2050Ala; replaces valine 2050 with alanine.
Molecular consequence: missense variant.
Genome position (GRCh38, 1-based): chrX:154,353,078, A>G on the plus strand (T>C on the coding strand, the complement: FLNA is on the minus strand). VCF-style: chrX-154353078-A-G. GRCh37 (hg19) VCF-style: chrX-153581446-A-G.
Other names: p.Val2042Ala; c.6125T>C, p.Val2042Ala (NM_001456.4); short protein forms V2042A, V2050A.
Identifiers: ClinVar variation 1220289 (VCV001220289.15), dbSNP rs2148104996, ClinGen allele CA415195734.

ClinVar aggregate classification (germline): Uncertain significance. Review status: criteria provided, multiple submitters, no conflicts (2 of 4 stars). 5 submissions from 5 submitters: Uncertain significance (5). Last evaluated 2025-08-18.

Conditions:
Oto-palato-digital syndrome, type II (OPD2). Also called: FACIOPALATOOSSEOUS SYNDROME; OPD II SYNDROME; Otopalatodigital Syndrome, Type II; Otopalatodigital Syndrome Type 2 (FLNA-OPD2). Identifiers: Orphanet 669, Orphanet 90652, MedGen C1844696, MONDO:0010571, OMIM 304120.
Frontometaphyseal dysplasia (FMD1). Identifiers: Orphanet 1826, MedGen C0265293, MONDO:0015942.
Heterotopia, periventricular, X-linked dominant (PVNH1). Also called: PERIVENTRICULAR NODULAR HETEROTOPIA 1; PERIVENTRICULAR NODULAR HETEROTOPIA 4; HETEROTOPIA, PERIVENTRICULAR, 1; X-linked periventricular heterotopia. Identifiers: Orphanet 2149, Orphanet 82004, MedGen C1848213, MONDO:0010233, OMIM 300049.
Melnick-Needles syndrome (MNS). Also called: MELNICK-NEEDLES OSTEODYSPLASTY; OSTEODYSPLASTY OF MELNICK AND NEEDLES; Melnick-Needles Syndrome (FLNA-MNS). Identifiers: Orphanet 2484, MedGen C0025237, MONDO:0010650, OMIM 309350.

gnomAD v4.1: 23 of 1,211,552 alleles (0.0019%); highest among the groups gnomAD compares: Non-Finnish European, 0.0026%; no homozygotes.

Submissions (5):

Labcorp Genetics (formerly Invitae), Labcorp
Classification: Uncertain significance for Oto-palato-digital syndrome, type II; Heterotopia, periventricular, X-linked dominant; Frontometaphyseal dysplasia; Melnick-Needles syndrome. Last evaluated: 2025-08-18. Review status: criteria provided, single submitter. Criteria: Invitae Variant Classification Sherloc (09022015). Collection method: clinical testing. Allele origin: germline.
Comment: This sequence change replaces valine, which is neutral and non-polar, with alanine, which is neutral and non-polar, at codon 2042 of the FLNA protein (p.Val2042Ala). This variant is not present in population databases (gnomAD no frequency). This variant has not been reported in the literature in individuals affected with FLNA-related conditions. ClinVar contains an entry for this variant (Variation ID: 1220289). Invitae Evidence Modeling of protein sequence and biophysical properties (such as structural, functional, and spatial information, amino acid conservation, physicochemical variation, residue mobility, and thermodynamic stability) indicates that this missense variant is not expected to disrupt FLNA protein function with a negative predictive value of 95%. In summary, the available evidence is currently insufficient to determine the role of this variant in disease. Therefore, it has been classified as a Variant of Uncertain Significance.

GeneDx
Classification: Uncertain significance. Last evaluated: 2025-08-09. Review status: criteria provided, single submitter. Criteria: GeneDx Variant Classification Process June 2021. Collection method: clinical testing. Allele origin: germline. Affected: yes.
Comment: In silico analysis supports that this missense variant has a deleterious effect on protein structure/function; Has not been previously published as pathogenic or benign to our knowledge

Mayo Clinic Laboratories, Mayo Clinic
Classification: Uncertain significance. Last evaluated: 2025-03-28. Review status: criteria provided, single submitter. Criteria: ACMG Guidelines, 2015. Collection method: clinical testing. Allele origin: germline. Observed: 1 variant allele.
Comment: PP3, PM2_supporting

ARUP Laboratories, Molecular Genetics and Genomics, ARUP Laboratories
Classification: Uncertain significance. Last evaluated: 2024-12-31. Review status: criteria provided, single submitter. Criteria: ARUP Molecular Germline Variant Investigation Process 2024. Collection method: clinical testing. Allele origin: germline.
Comment: The FLNA c.6125T>C; p.Val2042Ala variant, to our knowledge, is not reported in the medical literature but is reported in ClinVar (Variation ID: 1220289). This variant is absent from the Genome Aggregation Database (v2.1.1), indicating it is not a common polymorphism. Computational analyses predict that this variant is deleterious (REVEL: 0.74). Due to limited information, the clinical significance of this variant is uncertain at this time.

Blueprint Genetics
Classification: Uncertain significance. Last evaluated: 2020-03-30. Review status: criteria provided, single submitter. Criteria: ACMG Guidelines, 2015. Collection method: clinical testing. Allele origin: germline.